The following is an entry in ClinVar:

NM_001848.3(COL6A1):c.*199A>G

Gene: COL6A1 (collagen type VI alpha 1 chain; plus strand). Cytogenetic location: 21q22.3.
Variant type: single nucleotide variant.
Coding change: c.*199A>G on transcript NM_001848.3 (MANE Select); 199 bases downstream of the stop codon, A replaced by G.
Molecular consequence: 3 prime UTR variant.
Genome position (GRCh38, 1-based): chr21:46,004,212, A>G. VCF-style: chr21-46004212-A-G. GRCh37 (hg19) VCF-style: chr21-47424126-A-G.
Identifiers: ClinVar variation 340335 (VCV000340335.5), dbSNP rs117826437, ClinGen allele CA10644873.

ClinVar aggregate classification (germline): Likely benign (1 of 4 stars; one submission).

Conditions:
Collagen 6-related myopathy. Identifiers: MedGen CN117976, MONDO:0100225.

Allele frequency attached by ClinVar (database versions not stated): gnomAD 0.00138 and 0.00197; TOPMed 0.00241; gnomAD exomes 0.00274; 1000 Genomes Project 0.00998; 1000 Genomes Project 30x 0.01062.
gnomAD v4.1: 1,826 of 699,434 alleles (0.26%); highest among the groups gnomAD compares: East Asian, 4.3%; 42 homozygotes.

Submission:

Illumina Laboratory Services, Illumina
Classification: Likely benign for Collagen VI-related myopathy. Last evaluated: 2017-04-27. Review status: criteria provided, single submitter. Criteria: ICSL Variant Classification Criteria 13 December 2019. Collection method: clinical testing. Allele origin: germline.
Comment: This variant was observed as part of a predisposition screen in an ostensibly healthy population. A literature search was performed for the gene, cDNA change, and amino acid change (where applicable). No publications were found based on this search. Allele frequency data from public databases allowed determination this variant is unlikely to cause disease. Therefore, this variant is classified as likely benign.